The following is an entry in ClinVar:

NM_003640.5(ELP1):c.676C>T (p.Arg226Ter)

Gene: ELP1 (elongator acetyltransferase complex subunit 1; minus strand). Cytogenetic location: 9q31.3.
Variant type: single nucleotide variant.
Coding change: c.676C>T on transcript NM_003640.5 (MANE Select); coding-DNA position 676, C replaced by T.
Protein change: p.Arg226Ter; replaces arginine 226 with a stop codon.
Molecular consequence: nonsense. On other transcripts: intron variant (1).
Genome position (GRCh38, 1-based): chr9:108,918,875, G>A on the plus strand (C>T on the coding strand, the complement: ELP1 is on the minus strand). VCF-style: chr9-108918875-G-A. GRCh37 (hg19) VCF-style: chr9-111681155-G-A.
Other names: c.334C>T, p.Arg112Ter (NM_001318360.2); c.-307-1205C>T (NM_001330749.2); c.676C>T (NM_003640.4); short protein forms R112*, R226*.
Identifiers: ClinVar variation 2164481 (VCV002164481.7), dbSNP rs748449813, ClinGen allele CA5175267.

ClinVar aggregate classification (germline): Pathogenic/Likely pathogenic. Review status: criteria provided, multiple submitters, no conflicts (2 of 4 stars). 4 submissions from 4 submitters: Pathogenic (2); Likely pathogenic (2). Last evaluated 2025-12-15.

Conditions:
Medulloblastoma (MDB). Also called: Medulloblastoma, somatic; MEDULLOBLASTOMA PREDISPOSITION SYNDROME. Identifiers: Orphanet 616, MedGen C0025149, MeSH D008527, MONDO:0007959, OMIM 155255, HP:0002885.
Familial dysautonomia. Also called: HSAN III; FD. Identifiers: Orphanet 1764, MedGen C0013364, MONDO:0009131, OMIM 223900. Disease mechanism: loss of function.

Allele frequency attached by ClinVar (database versions not stated): ExAC 0.00001.

Submissions (4):

Natera, Inc.
Classification: Likely pathogenic for Familial dysautonomia. Last evaluated: 2025-12-15. Review status: criteria provided, single submitter. Criteria: Natera Variant Classification Schema (03/2026). Collection method: clinical testing. Allele origin: germline.
Comment: The c.676C>T variant in ELP1 is a nonsense variant predicted to introduce a stop codon at amino acid 226. This variant is expected to result in nonsense mediated decay, truncation, or a dysfunctional protein product. This variant is rare in the general population with a frequency below the threshold expected for the associated phenotype(s). Given the available evidence, this variant is classified as Likely Pathogenic.

Fulgent Genetics
Classification: Likely pathogenic for Medulloblastoma; Familial dysautonomia. Last evaluated: 2024-03-13. Review status: criteria provided, single submitter. Criteria: ACMG Guidelines, 2015. Collection method: clinical testing. Allele origin: germline.

Labcorp Genetics (formerly Invitae), Labcorp
Classification: Pathogenic. Last evaluated: 2023-04-25. Review status: criteria provided, single submitter. Criteria: Invitae Variant Classification Sherloc (09022015). Collection method: clinical testing. Allele origin: germline.
Comment: For these reasons, this variant has been classified as Pathogenic. ClinVar contains an entry for this variant (Variation ID: 2164481). This variant has not been reported in the literature in individuals affected with ELP1-related conditions. This variant is present in population databases (rs748449813, gnomAD 0.004%). This sequence change creates a premature translational stop signal (p.Arg226*) in the ELP1 gene. It is expected to result in an absent or disrupted protein product. Loss-of-function variants in ELP1 are known to be pathogenic (PMID: 18303054, 24173031).

Kariminejad - Najmabadi Pathology & Genetics Center
Classification: Pathogenic for Familial dysautonomia. Review status: criteria provided, single submitter. Criteria: ACMG Guidelines, 2015. Collection method: clinical testing. Allele origin: germline. Affected: no.

Literature cited by the submitters: PubMed 18303054 (cited by Labcorp Genetics (formerly Invitae), Labcorp); PubMed 24173031 (cited by Labcorp Genetics (formerly Invitae), Labcorp).